The following is an entry in ClinVar:

NM_002519.3(NPAT):c.1488T>G (p.Ser496Arg)

Gene: NPAT (nuclear protein, coactivator of histone transcription; minus strand). Cytogenetic location: 11q22.3.
Variant type: single nucleotide variant.
Coding change: c.1488T>G on transcript NM_002519.3 (MANE Select); coding-DNA position 1488, T replaced by G.
Protein change: p.Ser496Arg; replaces serine 496 with arginine.
Molecular consequence: missense variant.
Genome position (GRCh38, 1-based): chr11:108,173,496, A>C on the plus strand (T>G on the coding strand, the complement: NPAT is on the minus strand). VCF-style: chr11-108173496-A-C. GRCh37 (hg19) VCF-style: chr11-108044223-A-C.
Other names: c.1488T>G, p.Ser496Arg (NM_001321307.1); short protein forms S496R.
Identifiers: ClinVar variation 1773726 (VCV001773726.2), dbSNP rs2496721094, ClinGen allele CA382515060.

ClinVar aggregate classification (germline): Uncertain significance (1 of 4 stars; one submission).

Submission:

Ambry Genetics
Classification: Uncertain significance. Last evaluated: 2021-10-13. Review status: criteria provided, single submitter. Criteria: Ambry Variant Classification Scheme 2023. Collection method: clinical testing. Allele origin: germline.
Comment: The p.S496R variant (also known as c.1488T>G), located in coding exon 13 of the NPAT gene, results from a T to G substitution at nucleotide position 1488. The serine at codon 496 is replaced by arginine, an amino acid with dissimilar properties. This amino acid position is conserved. In addition, this alteration is predicted to be tolerated by in silico analysis. Since supporting evidence is limited at this time, the clinical significance of this alteration remains unclear.